The following is an entry in ClinVar:

NM_021098.3(CACNA1H):c.4566+4C>T

Gene: CACNA1H (calcium voltage-gated channel subunit alpha1 H; plus strand). Cytogenetic location: 16p13.3.
Variant type: single nucleotide variant.
Coding change: c.4566+4C>T on transcript NM_021098.3 (MANE Select); 4 bases into the intron after coding-DNA position 4566, C replaced by T.
Molecular consequence: intron variant.
Genome position (GRCh38, 1-based): chr16:1,211,809, C>T. VCF-style: chr16-1211809-C-T. GRCh37 (hg19) VCF-style: chr16-1261809-C-T.
Other names: c.4566+4C>T (NM_001005407.2).
Identifiers: ClinVar variation 846187 (VCV000846187.14), dbSNP rs199968897, ClinGen allele CA7801408.

ClinVar aggregate classification (germline): Conflicting classifications of pathogenicity. Review status: criteria provided, conflicting classifications (1 of 4 stars). 4 submissions from 4 submitters: Uncertain significance (3); Likely benign (1). Last evaluated 2025-02-17.

Conditions:
Epilepsy, childhood absence, susceptibility to, 6. Identifiers: Orphanet 64280, MedGen C2749872, MONDO:0012763, OMIM 611942.
Hyperaldosteronism, familial, type IV (HALD4). Also called: FH IV; ALDOSTERONISM, PRIMARY, AND HYPERTENSION. Identifiers: Orphanet 642671, MedGen C4310756, MONDO:0014875, OMIM 617027.
Idiopathic generalized epilepsy. Also called: Generalised epilepsy; EIG. Identifiers: MedGen C0270850, MONDO:0005579, OMIM 600669.

Allele frequency attached by ClinVar (database versions not stated): gnomAD 0.00001 and 0.00002; TOPMed 0.00002; 1000 Genomes Project 0.00040; 1000 Genomes Project 30x 0.00047.
gnomAD v4.1: 35 of 1,612,344 alleles (0.0022%); highest among the groups gnomAD compares: Middle Eastern, 0.016%; no homozygotes.

Submissions (4):

Labcorp Genetics (formerly Invitae), Labcorp
Classification: Uncertain significance for Idiopathic generalized epilepsy; Hyperaldosteronism, familial, type IV. Last evaluated: 2025-02-17. Review status: criteria provided, single submitter. Criteria: Invitae Variant Classification Sherloc (09022015). Collection method: clinical testing. Allele origin: germline.
Comment: This sequence change falls in intron 24 of the CACNA1H gene. It does not directly change the encoded amino acid sequence of the CACNA1H protein. It affects a nucleotide within the consensus splice site. This variant is present in population databases (rs199968897, gnomAD 0.03%). This variant has not been reported in the literature in individuals affected with CACNA1H-related conditions. ClinVar contains an entry for this variant (Variation ID: 846187). Variants that disrupt the consensus splice site are a relatively common cause of aberrant splicing (PMID: 17576681, 9536098). Algorithms developed to predict the effect of sequence changes on RNA splicing suggest that this variant is not likely to affect RNA splicing. In summary, the available evidence is currently insufficient to determine the role of this variant in disease. Therefore, it has been classified as a Variant of Uncertain Significance.

Blueprint Genetics
Classification: Uncertain significance. Last evaluated: 2024-08-27. Review status: criteria provided, single submitter. Criteria: ACMG Guidelines, 2015. Collection method: clinical testing. Allele origin: germline.

Fulgent Genetics
Classification: Likely benign for Epilepsy, childhood absence, susceptibility to, 6; Hyperaldosteronism, familial, type IV. Last evaluated: 2024-03-30. Review status: criteria provided, single submitter. Criteria: ACMG Guidelines, 2015. Collection method: clinical testing. Allele origin: germline.

Department of Pathology and Laboratory Medicine, Sinai Health System
Classification: Uncertain significance for Hyperaldosteronism, familial, type IV. Last evaluated: 2022-12-08. Review status: criteria provided, single submitter. Criteria: ACMG Guidelines, 2015. Collection method: research. Allele origin: germline.

Literature cited by the submitters: PubMed 17576681 (cited by Labcorp Genetics (formerly Invitae), Labcorp); PubMed 9536098 (cited by Labcorp Genetics (formerly Invitae), Labcorp).